The following is an entry in ClinVar:

ClinVar aggregate classification (germline): Likely benign (1 of 4 stars; one submission).

Allele frequency attached by ClinVar (database versions not stated): gnomAD exomes 0.00022; TOPMed 0.00029; gnomAD 0.00030; ESP Exome Variant Server 0.00032; ExAC 0.00036.
gnomAD v4.1: 401 of 1,610,326 alleles (0.025%); highest among the groups gnomAD compares: South Asian, 0.011%; no homozygotes.

Submission:

CeGaT Center for Human Genetics Tuebingen
Classification: Likely benign. Last evaluated: 2023-03-01. Review status: criteria provided, single submitter. Criteria: CeGaT Center For Human Genetics Tuebingen Variant Classification Criteria Version 2. Collection method: clinical testing. Allele origin: germline. Affected: yes. Observed: 1 variant allele.
Comment: SYNM: BP4

NM_145728.3(SYNM):c.3269C>T (p.Ser1090Leu)

Gene: SYNM (synemin; plus strand). Cytogenetic location: 15q26.3.
Variant type: single nucleotide variant.
Coding change: c.3269C>T on transcript NM_145728.3 (MANE Select); coding-DNA position 3269, C replaced by T.
Protein change: p.Ser1090Leu; replaces serine 1090 with leucine.
Molecular consequence: missense variant.
Genome position (GRCh38, 1-based): chr15:99,131,629, C>T. VCF-style: chr15-99131629-C-T. GRCh37 (hg19) VCF-style: chr15-99671834-C-T.
Other names: c.3269C>T, p.Ser1090Leu (NM_015286.6); short protein forms S1090L.
Identifiers: ClinVar variation 2645742 (VCV002645742.24), dbSNP rs200155964, ClinGen allele CA7753947.
Genomic context (GRCh38, chr15:99,131,629, plus strand): 5'-CCCGGGAGCTGTACATCCCTTCAGGCGAGAGCGAGGTTGCTGGTGGGGCCTCTCACAGCT[C>T]GGGACAGCGCACTCCCCAGGGCCCAGTGTCGGCCACTGTGGAGGTCAGCAGCCCCACAGG-3'
Protein context (NP_663780.2, residues 1080-1100): SEVAGGASHS[Ser1090Leu]GQRTPQGPVS